The following is an entry in ClinVar:

ClinVar aggregate classification (germline): Uncertain significance (1 of 4 stars; one submission).

Conditions:
Pulmonary hypertension, primary, 1 (PPH1). Also called: Pulmonary hypertension, familial primary, 1, with or without HHT. Identifiers: Orphanet 422, MedGen C4552070, MONDO:0024533, OMIM 178600.

gnomAD v4.1: 1 of 1,613,426 alleles (0.000062%); highest among the groups gnomAD compares: Non-Finnish European, 0.000085%; no homozygotes.

Submission:

Victorian Clinical Genetics Services, Murdoch Childrens Research Institute
Classification: Uncertain significance for Pulmonary hypertension, primary, 1. Last evaluated: 2024-11-08. Review status: criteria provided, single submitter. Criteria: ACMG Guidelines, 2015. Collection method: clinical testing. Allele origin: germline. Affected: no.
Comment: This variant is classified as VUS-3B. Evidence in support of pathogenic classification: Variant is present in gnomAD <0.001 for a dominant condition (v4: 1 heterozygote(s), 0 homozygote(s)); Another missense variant comparable to the one identified in this case has limited previous evidence for pathogenicity. p.(His306Pro) has been reported once in an individual with pulmonary arterial hypertension from a large cohort study (PMIDs: 32581362, 29650961); Missense variant consistently predicted to be damaging by in silico tool or highly conserved with a major amino acid change. Additional information: Variant is predicted to result in a missense amino acid change from histidine to tyrosine; This variant is heterozygous; This gene is associated with autosomal dominant disease; This variant has no previous evidence of pathogenicity; No published segregation evidence has been identified for this variant; No published functional evidence has been identified for this variant; Variant is located in the annotated protein kinase domain (DECIPHER); Loss of function is a known mechanism of disease in this gene and is associated with familial primary pulmonary hypertension 1, with or without HHT (MIM#178600), primary fenfluramine or dexfenfluramine-associated pulmonary hypertension (MIM#178600) and pulmonary venoocclusive disease 1 (MIM#265450). However, gain of function has been noted in relation to upregulation of p38 MAPK-dependent pro-proliferative pathways and dominant negative has also been suggested as a mechanism in relation to SMAD signalling (OMIM); The condition associated with this gene has incomplete penetrance. Incomplete penetrance has been reported for pulmonary arterial hypertension (PMID: 33380512); Variants in this gene are known to have variable expressivity (OMIM).

Literature cited by the submitters: PubMed 33380512; PubMed 32581362; PubMed 29650961.

NM_001204.7(BMPR2):c.916C>T (p.His306Tyr)

Gene: BMPR2 (bone morphogenetic protein receptor type 2; plus strand). Cytogenetic location: 2q33.2.
Variant type: single nucleotide variant.
Coding change: c.916C>T on transcript NM_001204.7 (MANE Select); coding-DNA position 916, C replaced by T.
Protein change: p.His306Tyr; replaces histidine 306 with tyrosine.
Molecular consequence: missense variant.
Genome position (GRCh38, 1-based): chr2:202,520,150, C>T. VCF-style: chr2-202520150-C-T. GRCh37 (hg19) VCF-style: chr2-203384873-C-T.
Other names: short protein forms H306Y.
Identifiers: ClinVar variation 4531809 (VCV004531809.1).